The following is an entry in ClinVar:

ClinVar aggregate classification (germline): Uncertain significance (1 of 4 stars; one submission).

Conditions:
EP300-related disorder. Also called: EP300-related condition; EP300-related disorders.

Submission:

PreventionGenetics, part of Exact Sciences
Classification: Uncertain significance for EP300-related condition. Last evaluated: 2026-05-06. Review status: criteria provided, single submitter. Criteria: ACMG Guidelines, 2015. Collection method: clinical testing. Allele origin: germline.
Comment: The EP300 c.1471C>A variant is predicted to result in the amino acid substitution p.Gln491Lys. To our knowledge, this variant has not been reported in the literature or in a large population database (gnomAD), indicating this variant is rare. At this time, the clinical significance of this variant is uncertain due to the absence of conclusive functional and genetic evidence.

NM_001429.4(EP300):c.1471C>A (p.Gln491Lys)

Gene: EP300 (EP300 lysine acetyltransferase; plus strand). Cytogenetic location: 22q13.2.
Variant type: single nucleotide variant.
Coding change: c.1471C>A on transcript NM_001429.4 (MANE Select); coding-DNA position 1471, C replaced by A.
Protein change: p.Gln491Lys; replaces glutamine 491 with lysine.
Molecular consequence: missense variant.
Genome position (GRCh38, 1-based): chr22:41,131,576, C>A. VCF-style: chr22-41131576-C-A. GRCh37 (hg19) VCF-style: chr22-41527580-C-A.
Other names: c.1471C>A, p.Gln491Lys (NM_001362843.2); short protein forms Q491K.
Identifiers: ClinVar variation 4994279 (VCV004994279.1).